The following is an entry in ClinVar:

ClinVar aggregate classification (germline): Pathogenic (1 of 4 stars; one submission).

Conditions:
Birt-Hogg-Dube syndrome. Also called: Birt Hogg Dubé syndrome. Identifiers: Orphanet 122, MedGen C0346010, MONDO:0800444.

Submission:

Labcorp Genetics (formerly Invitae), Labcorp
Classification: Pathogenic for Multiple fibrofolliculomas. Last evaluated: 2019-11-06. Review status: criteria provided, single submitter. Criteria: Invitae Variant Classification Sherloc (09022015). Collection method: clinical testing. Allele origin: germline.
Comment: This sequence change inserts a large fragment of DNA, likely a transposable element, in exon 14 of the FLCN gene (c.1557_1558insAlu), causing a frameshift at codon 520 (p.Lys520fs). The exact size and sequence of the insertion cannot be determined by the current assay. While this is not anticipated to result in nonsense mediated decay, it is expected to disrupt the last 78 amino acids of the FLCN protein. This variant is not present in population databases (ExAC no frequency). This variant has not been reported in the literature in individuals with FLCN-related conditions. This variant disrupts the C-terminus of the FLCN protein. Other variant(s) that disrupt this region (p.Arg527*) have been determined to be pathogenic (PMID: 15852235, 17028174, Invitae). This suggests that variants that disrupt this region of the protein are likely to be causative of disease. For these reasons, this variant has been classified as Pathogenic.

Literature cited by the submitters: PubMed 17028174; PubMed 15852235.

NM_144997.5:c.1557_1558insAlu

Gene: FLCN (folliculin; minus strand). Cytogenetic location: 17p11.2.
Variant type: Insertion.
Identifiers: ClinVar variation 870301 (VCV000870301.1).